The following is an entry in ClinVar:

ClinVar aggregate classification (germline): Likely benign (1 of 4 stars; one submission).

Allele frequency attached by ClinVar (database versions not stated): gnomAD 0.04139 and 0.04269; TOPMed 0.04565; 1000 Genomes Project 0.05172; 1000 Genomes Project 30x 0.05215.
gnomAD v4.1: 6,541 of 151,818 alleles (4.3%); highest among the groups gnomAD compares: South Asian, 8.1%; 180 homozygotes.

Submission:

GeneDx
Classification: Likely benign. Last evaluated: 2018-06-14. Review status: criteria provided, single submitter. Criteria: GeneDx Variant Classification (06012015). Collection method: clinical testing. Allele origin: germline. Affected: yes.
Comment: This variant is considered likely benign or benign based on one or more of the following criteria: it is a conservative change, it occurs at a poorly conserved position in the protein, it is predicted to be benign by multiple in silico algorithms, and/or has population frequency not consistent with disease.

NM_033109.5(PNPT1):c.1738+271G>A

Gene: PNPT1 (polyribonucleotide nucleotidyltransferase 1; minus strand). Cytogenetic location: 2p16.1.
Variant type: single nucleotide variant.
Coding change: c.1738+271G>A on transcript NM_033109.5 (MANE Select); 271 bases into the intron after coding-DNA position 1738, G replaced by A.
Molecular consequence: intron variant.
Genome position (GRCh38, 1-based): chr2:55,645,988, C>T on the plus strand (G>A on the coding strand, the complement: PNPT1 is on the minus strand). VCF-style: chr2-55645988-C-T. GRCh37 (hg19) VCF-style: chr2-55873123-C-T.
Identifiers: ClinVar variation 669543 (VCV000669543.1), dbSNP rs112074939, ClinGen allele CA11318877.